The following is an entry in ClinVar:

ClinVar aggregate classification (germline): Uncertain significance (1 of 4 stars; one submission).

Conditions:
Familial cold autoinflammatory syndrome 3 (FCAS3). Also called: FAMILIAL ATYPICAL COLD URTICARIA; ANTIBODY DEFICIENCY AND IMMUNE DYSREGULATION, PLCG2-ASSOCIATED. Identifiers: Orphanet 300359, MedGen C3280914, MONDO:0013766, OMIM 614468.

gnomAD v4.1: 1 of 1,612,004 alleles (0.000062%); highest among the groups gnomAD compares: Non-Finnish European, 0.000085%; no homozygotes.

Submission:

Labcorp Genetics (formerly Invitae), Labcorp
Classification: Uncertain significance for Familial cold autoinflammatory syndrome 3. Last evaluated: 2025-06-12. Review status: criteria provided, single submitter. Criteria: Invitae Variant Classification Sherloc (09022015). Collection method: clinical testing. Allele origin: germline.
Comment: This sequence change replaces glutamic acid, which is acidic and polar, with glutamine, which is neutral and polar, at codon 833 of the PLCG2 protein (p.Glu833Gln). This variant is not present in population databases (gnomAD no frequency). This variant has not been reported in the literature in individuals affected with PLCG2-related conditions. ClinVar contains an entry for this variant (Variation ID: 2817194). An algorithm developed to predict the effect of missense changes on protein structure and function (PolyPhen-2) suggests that this variant is likely to be tolerated. In summary, the available evidence is currently insufficient to determine the role of this variant in disease. Therefore, it has been classified as a Variant of Uncertain Significance.

NM_002661.5(PLCG2):c.2497G>C (p.Glu833Gln)

Gene: PLCG2 (phospholipase C gamma 2; plus strand). Cytogenetic location: 16q23.3.
Variant type: single nucleotide variant.
Coding change: c.2497G>C on transcript NM_002661.5 (MANE Select); coding-DNA position 2497, G replaced by C.
Protein change: p.Glu833Gln; replaces glutamic acid 833 with glutamine.
Molecular consequence: missense variant.
Genome position (GRCh38, 1-based): chr16:81,927,161, G>C. VCF-style: chr16-81927161-G-C. GRCh37 (hg19) VCF-style: chr16-81960766-G-C.
Other names: c.2497G>C, p.Glu833Gln (NM_001425749.1, NM_001425750.1, NM_001425751.1); short protein forms E833Q.
Identifiers: ClinVar variation 2817194 (VCV002817194.3), dbSNP rs753762025, ClinGen allele CA396902812.